The following is an entry in ClinVar:

NM_000891.3(KCNJ2):c.226T>G (p.Cys76Gly)

Gene: KCNJ2 (potassium inwardly rectifying channel subfamily J member 2; plus strand). Cytogenetic location: 17q24.3.
Variant type: single nucleotide variant.
Coding change: c.226T>G on transcript NM_000891.3 (MANE Select); coding-DNA position 226, T replaced by G.
Protein change: p.Cys76Gly; replaces cysteine 76 with glycine.
Molecular consequence: missense variant.
Genome position (GRCh38, 1-based): chr17:70,175,265, T>G. VCF-style: chr17-70175265-T-G. GRCh37 (hg19) VCF-style: chr17-68171406-T-G.
Other names: p.C76G:TGT>GGT; short protein forms C76G.
Identifiers: ClinVar variation 190808 (VCV000190808.9), dbSNP rs786205812, ClinGen allele CA302023.
Genomic context (GRCh38, chr17:70,175,265, plus strand): 5'-GTTCAGTTCATCAATGTGGGTGAGAAGGGGCAACGGTACCTCGCAGACATCTTCACCACG[T>G]GTGTGGACATTCGCTGGCGGTGGATGCTGGTTATCTTCTGCCTGGCTTTCGTCCTGTCAT-3'
Protein context (NP_000882.1, residues 66-86): QRYLADIFTT[Cys76Gly]VDIRWRWMLV

ClinVar aggregate classification (germline): Conflicting classifications of pathogenicity. Review status: criteria provided, conflicting classifications (1 of 4 stars). 2 submissions from 2 submitters: Likely pathogenic (1); Uncertain significance (1). Last evaluated 2017-01-04.

Conditions:
Andersen Tawil syndrome (LQT7). Also called: PERIODIC PARALYSIS, POTASSIUM-SENSITIVE CARDIODYSRHYTHMIC TYPE; LONG QT SYNDROME 7; ANDERSEN CARDIODYSRHYTHMIC PERIODIC PARALYSIS; Andersen Syndrome; Potassium-sensitive periodic paralysis, ventricular ectopy, and dysmorphic features. Identifiers: Orphanet 37553, MedGen C1563715, MONDO:0008222, OMIM 170390.
Short QT syndrome type 3. Identifiers: Orphanet 51083, MedGen C1865018, MONDO:0012314, OMIM 609622.

Submissions (2):

GeneDx
Classification: Likely pathogenic. Last evaluated: 2017-01-04. Review status: criteria provided, single submitter. Criteria: GeneDx Variant Classification (06012015). Collection method: clinical testing. Allele origin: germline. Affected: yes.
Comment: p.Cys76Gly (TGT>GGT): c.226 T>G in exon 2 of the KCNJ2 gene (NM_000891.2). The Cys76Gly variant in the KCNJ2 gene has not been reported as a disease-causing mutation or as a benign polymorphism to our knowledge. Cys76Gly results in a non-conservative amino acid substitution of a polar Cysteine with a non-polar Glycine at a position that is highly conserved across species. Consequently, in silico analysis predicts Cys76Gly is damaging to the protein structure/function. Mutations in nearby residues (Asp71Asn, Asp71Tyr, Asp71Val, Thr74Ala, Thr75Ala, Thr75Arg, Thr75Met) have been reported in association with LQTS/ATS, further supporting the functional importance of this region of the protein. In addition, the Cys76Gly variant was not observed in approximately 6500 individuals of European and African American ancestry in the NHLBI Exome Sequencing Project, indicating it is not a common benign variant in these populations. In summary, Cys76Gly is a good candidate for a disease-causing mutation. The variant is found in CPVT panel(s).

Labcorp Genetics (formerly Invitae), Labcorp
Classification: Uncertain significance for Short QT syndrome type 3; Andersen Tawil syndrome. Last evaluated: 2016-06-13. Review status: criteria provided, single submitter. Criteria: Invitae Variant Classification Sherloc (09022015). Collection method: clinical testing. Allele origin: germline.
Comment: In summary, this variant is a rare missense change with uncertain impact on protein function. It has been classified as a Variant of Uncertain Significance. Algorithms developed to predict the effect of missense changes on protein structure and function do not agree on the potential impact of this missense change (SIFT: "Deleterious"; PolyPhen-2: "Probably Damaging"; Align-GVGD: "Class C0"). This variant is not present in population databases (ExAC no frequency) and has not been reported in the literature in individuals with a KCNJ2-related disease. ClinVar contains an entry for this variant (Variation ID: 190808). This sequence change replaces cysteine with glycine at codon 76 of the KCNJ2 protein (p.Cys76Gly). The cysteine residue is highly conserved and there is a large physicochemical difference between cysteine and glycine.